The following is an entry in ClinVar:

NM_024664.4(PPCS):c.17C>T (p.Pro6Leu)

Genes: CCDC30 (coiled-coil domain containing 30; plus strand), PPCS (phosphopantothenoylcysteine synthetase; plus strand). Cytogenetic location: 1p34.2.
Variant type: single nucleotide variant.
Coding change: c.17C>T on transcript NM_024664.4 (MANE Select); coding-DNA position 17, C replaced by T.
Protein change: p.Pro6Leu; replaces proline 6 with leucine.
Molecular consequence: missense variant. On other transcripts: intron variant (3), 5 prime UTR variant (4).
Genome position (GRCh38, 1-based): chr1:42,456,582, C>T. VCF-style: chr1-42456582-C-T. GRCh37 (hg19) VCF-style: chr1-42922253-C-T.
Other names: c.-12+83C>T (NM_001287506.1); c.-58C>T (NM_001077447.3); c.-154C>T (NM_001287508.2); c.-13C>T (NM_001287509.2); c.-676C>T (NM_001287510.2); c.17C>T, p.Pro6Leu (NM_001287511.2); c.-984+83C>T (NM_001355226.2); c.-328+83C>T (NM_001287507.1); short protein forms P6L.
Identifiers: ClinVar variation 1488838 (VCV001488838.31), dbSNP rs767261512, ClinGen allele CA799881.
Genomic context (GRCh38, chr1:42,456,582, plus strand): 5'-CGGCGGCCGCGAAACGTGCGCAGGCGCCGGCCGCTGCGCTGCAGATGGCGGAAATGGATC[C>T]GGTAGCCGAGTTCCCCCAGCCTCCCGGTGCTGCGCGCTGGGCTGAGGTTATGGCTCGCTT-3'
Protein context (NP_078940.2, residues 1-16): MAEMD[Pro6Leu]VAEFPQPPGA

ClinVar aggregate classification (germline): Uncertain significance. Review status: criteria provided, multiple submitters, no conflicts (2 of 4 stars). 2 submissions from 2 submitters: Uncertain significance (2). Last evaluated 2023-03-01.

Allele frequency attached by ClinVar (database versions not stated): gnomAD 0.00001; gnomAD exomes 0.00002; TOPMed 0.00002; ExAC 0.00009.
gnomAD v4.1: 52 of 1,492,226 alleles (0.0035%); highest among the groups gnomAD compares: Non-Finnish European, 0.0044%; no homozygotes.

Submissions (2):

CeGaT Center for Human Genetics Tuebingen
Classification: Uncertain significance. Last evaluated: 2023-03-01. Review status: criteria provided, single submitter. Criteria: CeGaT Center For Human Genetics Tuebingen Variant Classification Criteria Version 2. Collection method: clinical testing. Allele origin: germline. Affected: yes. Observed: 1 variant allele.
Comment: PPCS: PM2, BP4

Labcorp Genetics (formerly Invitae), Labcorp
Classification: Uncertain significance. Last evaluated: 2022-06-15. Review status: criteria provided, single submitter. Criteria: Invitae Variant Classification Sherloc (09022015). Collection method: clinical testing. Allele origin: germline.
Comment: This sequence change replaces proline, which is neutral and non-polar, with leucine, which is neutral and non-polar, at codon 6 of the PPCS protein (p.Pro6Leu). The frequency data for this variant in the population databases is considered unreliable, as metrics indicate poor data quality at this position in the gnomAD database. This variant has not been reported in the literature in individuals affected with PPCS-related conditions. Algorithms developed to predict the effect of missense changes on protein structure and function output the following: SIFT: "Tolerated"; PolyPhen-2: "Benign"; Align-GVGD: "Class C0". The leucine amino acid residue is found in multiple mammalian species, which suggests that this missense change does not adversely affect protein function. In summary, the available evidence is currently insufficient to determine the role of this variant in disease. Therefore, it has been classified as a Variant of Uncertain Significance.